The following is an entry in ClinVar:

ClinVar aggregate classification (germline): Conflicting classifications of pathogenicity. Review status: criteria provided, conflicting classifications (1 of 4 stars). 2 submissions from 2 submitters: Uncertain significance (1); Likely benign (1). Last evaluated 2025-12-30.

Conditions:
Hereditary cancer-predisposing syndrome. Also called: Hereditary Cancer Syndrome; Neoplastic Syndromes, Hereditary; Tumor predisposition; Hereditary neoplastic syndrome. Identifiers: Orphanet 140162, MedGen C0027672, MeSH D009386, MONDO:0015356.
Hereditary breast ovarian cancer syndrome. Also called: BRCA1- and BRCA2-Associated Hereditary Breast and Ovarian Cancer; Hereditary breast and ovarian cancer; Breast and ovarian cancer; Hereditary breast and/or ovarian cancer syndrome; Hereditary breast and ovarian cancer syndrome (HBOC); Hereditary breast and ovarian cancer syndrome. Identifiers: Orphanet 145, MedGen C0677776, MeSH D061325, MONDO:0003582. Disease mechanism: loss of function.

gnomAD v4.1: 1 of 1,614,014 alleles (0.000062%); highest among the groups gnomAD compares: African/African-American, 0.0013%; no homozygotes.

Submissions (2):

Ambry Genetics
Classification: Likely benign for Hereditary cancer-predisposing syndrome. Last evaluated: 2025-12-30. Review status: criteria provided, single submitter. Criteria: Ambry Variant Classification Scheme 2023. Collection method: clinical testing. Allele origin: germline.

Labcorp Genetics (formerly Invitae), Labcorp
Classification: Uncertain significance for Hereditary breast ovarian cancer syndrome. Last evaluated: 2025-01-29. Review status: criteria provided, single submitter. Criteria: Invitae Variant Classification Sherloc (09022015). Collection method: clinical testing. Allele origin: germline.
Comment: This sequence change replaces serine, which is neutral and polar, with isoleucine, which is neutral and non-polar, at codon 2705 of the BRCA2 protein (p.Ser2705Ile). This variant is present in population databases (rs778806241, gnomAD 0.007%). This variant has not been reported in the literature in individuals affected with BRCA2-related conditions. Invitae Evidence Modeling of protein sequence and biophysical properties (such as structural, functional, and spatial information, amino acid conservation, physicochemical variation, residue mobility, and thermodynamic stability) indicates that this missense variant is not expected to disrupt BRCA2 protein function with a negative predictive value of 95%. In summary, the available evidence is currently insufficient to determine the role of this variant in disease. Therefore, it has been classified as a Variant of Uncertain Significance.

NM_000059.4(BRCA2):c.8114G>T (p.Ser2705Ile)

Gene: BRCA2 (BRCA2 DNA repair associated; plus strand). Cytogenetic location: 13q13.1.
Variant type: single nucleotide variant.
Coding change: c.8114G>T on transcript NM_000059.4 (MANE Select); coding-DNA position 8114, G replaced by T.
Protein change: p.Ser2705Ile; replaces serine 2705 with isoleucine.
Molecular consequence: missense variant. On other transcripts: non-coding transcript variant (1).
Genome position (GRCh38, 1-based): chr13:32,363,316, G>T. VCF-style: chr13-32363316-G-T. GRCh37 (hg19) VCF-style: chr13-32937453-G-T.
Other names: c.8018G>T, p.Ser2673Ile (NM_001406719.1); c.8114G>T, p.Ser2705Ile (NM_001406720.1, NM_001432077.1); c.3182G>T, p.Ser1061Ile (NM_001406721.1); c.1697G>T, p.Ser566Ile (NM_001406722.1); short protein forms S1061I, S2673I, S2705I, S566I.
Identifiers: ClinVar variation 3694317 (VCV003694317.3).